The following is an entry in ClinVar:

ClinVar aggregate classification (germline): Uncertain significance (1 of 4 stars; one submission).

gnomAD v4.1: 1 of 1,614,114 alleles (0.000062%); highest among the groups gnomAD compares: African/African-American, 0.0013%; no homozygotes.

Submission:

GeneDx
Classification: Uncertain significance. Last evaluated: 2022-10-26. Review status: criteria provided, single submitter. Criteria: GeneDx Variant Classification Process June 2021. Collection method: clinical testing. Allele origin: germline. Affected: yes.
Comment: Not observed at significant frequency in large population cohorts (gnomAD); In silico analysis supports that this missense variant does not alter protein structure/function; Has not been previously published as pathogenic or benign to our knowledge

NM_016333.4(SRRM2):c.5840G>C (p.Arg1947Pro)

Gene: SRRM2 (serine/arginine repetitive matrix 2; plus strand). Cytogenetic location: 16p13.3.
Variant type: single nucleotide variant.
Coding change: c.5840G>C on transcript NM_016333.4 (MANE Select); coding-DNA position 5840, G replaced by C.
Protein change: p.Arg1947Pro; replaces arginine 1947 with proline.
Molecular consequence: missense variant.
Genome position (GRCh38, 1-based): chr16:2,766,368, G>C. VCF-style: chr16-2766368-G-C. GRCh37 (hg19) VCF-style: chr16-2816369-G-C.
Other names: short protein forms R1947P.
Identifiers: ClinVar variation 2500427 (VCV002500427.1), dbSNP rs200895450, ClinGen allele CA394424555.